The following is an entry in ClinVar:

ClinVar aggregate classification (germline): Uncertain significance (1 of 4 stars; one submission).

Conditions:
Cardiovascular phenotype. Identifiers: MedGen CN230736.

Submission:

Ambry Genetics
Classification: Uncertain significance for Cardiovascular phenotype. Last evaluated: 2025-02-01. Review status: criteria provided, single submitter. Criteria: Ambry Variant Classification Scheme 2023. Collection method: clinical testing. Allele origin: germline.
Comment: The p.R1244K variant (also known as c.3731G>A), located in coding exon 2 of the ZNF469 gene, results from a G to A substitution at nucleotide position 3731. The arginine at codon 1244 is replaced by lysine, an amino acid with highly similar properties. This amino acid position is conserved. In addition, this alteration is predicted to be tolerated by in silico analysis. Based on the available evidence, the clinical significance of this variant remains unclear.

NM_001367624.2(ZNF469):c.3815G>A (p.Arg1272Lys)

Gene: ZNF469 (zinc finger protein 469; plus strand). Cytogenetic location: 16q24.2.
Variant type: single nucleotide variant.
Coding change: c.3815G>A on transcript NM_001367624.2 (MANE Select); coding-DNA position 3815, G replaced by A.
Protein change: p.Arg1272Lys; replaces arginine 1272 with lysine.
Molecular consequence: missense variant.
Genome position (GRCh38, 1-based): chr16:88,431,285, G>A. VCF-style: chr16-88431285-G-A. GRCh37 (hg19) VCF-style: chr16-88497693-G-A.
Other names: NM_001127464.1:c.3731G>A; short protein forms R1272K.
Identifiers: ClinVar variation 3821133 (VCV003821133.1).